The following is an entry in ClinVar:

ClinVar aggregate classification (germline): Conflicting classifications of pathogenicity. Review status: criteria provided, conflicting classifications (1 of 4 stars). 4 submissions from 4 submitters: Uncertain significance (3); Likely benign (1). Last evaluated 2025-09-01.

Conditions:
Inborn genetic diseases. Identifiers: MedGen C0950123, MeSH D030342.
Charcot-Marie-Tooth disease dominant intermediate B (CMTDIB). Also called: Charcot-Marie-Tooth disease dominant intermediate 1; CMT DI1; Charcot-Marie-Tooth disease dominant intermediate I; CHARCOT-MARIE-TOOTH NEUROPATHY, DOMINANT INTERMEDIATE B. Identifiers: Orphanet 100044, Orphanet 228179, MedGen C1847902, MONDO:0011674, OMIM 606482.

Allele frequency attached by ClinVar (database versions not stated): ExAC 0.00002; gnomAD exomes 0.00002; TOPMed 0.00002; gnomAD 0.00004.
gnomAD v4.1: 22 of 1,614,088 alleles (0.0014%); highest among the groups gnomAD compares: East Asian, 0.0045%; no homozygotes.

Submissions (4):

Labcorp Genetics (formerly Invitae), Labcorp
Classification: Likely benign for Charcot-Marie-Tooth disease dominant intermediate B. Last evaluated: 2025-09-01. Review status: criteria provided, single submitter. Criteria: Invitae Variant Classification Sherloc (09022015). Collection method: clinical testing. Allele origin: germline.

Ambry Genetics
Classification: Uncertain significance for Inborn genetic diseases. Last evaluated: 2025-05-18. Review status: criteria provided, single submitter. Criteria: Ambry Variant Classification Scheme 2023. Collection method: clinical testing. Allele origin: germline.

GeneDx
Classification: Uncertain significance. Last evaluated: 2024-07-31. Review status: criteria provided, single submitter. Criteria: GeneDx Variant Classification Process June 2021. Collection method: clinical testing. Allele origin: germline. Affected: yes.
Comment: In silico analysis supports that this missense variant has a deleterious effect on protein structure/function; Has not been previously published as pathogenic or benign to our knowledge; This variant is associated with the following publications: (PMID: 16227997)

Clinical Genetics Laboratory, Skane University Hospital Lund
Classification: Uncertain significance. Last evaluated: 2023-01-18. Review status: criteria provided, single submitter. Criteria: ACMG Guidelines, 2015. Collection method: clinical testing. Allele origin: germline. Affected: yes.

NM_001005361.3(DNM2):c.1990G>A (p.Val664Met)

Gene: DNM2 (dynamin 2; plus strand). Cytogenetic location: 19p13.2.
Variant type: single nucleotide variant.
Coding change: c.1990G>A on transcript NM_001005361.3 (MANE Select); coding-DNA position 1990, G replaced by A.
Protein change: p.Val664Met; replaces valine 664 with methionine.
Molecular consequence: missense variant.
Genome position (GRCh38, 1-based): chr19:10,825,153, G>A. VCF-style: chr19-10825153-G-A. GRCh37 (hg19) VCF-style: chr19-10935829-G-A.
Other names: c.1990G>A, p.Val664Met (NM_001005360.3, NM_001190716.2); c.1978G>A, p.Val660Met (NM_001005362.3, NM_004945.4); short protein forms V664M, V660M.
Identifiers: ClinVar variation 936296 (VCV000936296.12), dbSNP rs757366208, ClinGen allele CA9201473.
Genomic context (GRCh38, chr19:10,825,153, plus strand): 5'-TCCATGGACCCCCAACTGGAGCGGCAGGTGGAGACCATTCGCAACCTGGTGGACTCATAC[G>A]TGGCCATCATCAACAAGTCCATCCGCGACCTCATGCCAAAGACCATCATGCACCTCATGA-3'
Protein context (NP_001005361.1, residues 654-674): ETIRNLVDSY[Val664Met]AIINKSIRDL